The following is an entry in ClinVar:

ClinVar aggregate classification (germline): Uncertain significance. Review status: criteria provided, multiple submitters, no conflicts (2 of 4 stars). 2 submissions from 2 submitters: Uncertain significance (2). Last evaluated 2025-05-18.

Submissions (2):

Ambry Genetics
Classification: Uncertain significance. Last evaluated: 2025-05-18. Review status: criteria provided, single submitter. Criteria: Ambry Variant Classification Scheme 2023. Collection method: clinical testing. Allele origin: germline.

Labcorp Genetics (formerly Invitae), Labcorp
Classification: Uncertain significance. Last evaluated: 2025-03-04. Review status: criteria provided, single submitter. Criteria: Invitae Variant Classification Sherloc (09022015). Collection method: clinical testing. Allele origin: germline.
Comment: This sequence change replaces isoleucine, which is neutral and non-polar, with threonine, which is neutral and polar, at codon 113 of the FZD2 protein (p.Ile113Thr). This variant is present in population databases (rs201264228, gnomAD 0.03%). This variant has not been reported in the literature in individuals affected with FZD2-related conditions. Invitae Evidence Modeling of protein sequence and biophysical properties (such as structural, functional, and spatial information, amino acid conservation, physicochemical variation, residue mobility, and thermodynamic stability) indicates that this missense variant is not expected to disrupt FZD2 protein function with a negative predictive value of 80%. In summary, the available evidence is currently insufficient to determine the role of this variant in disease. Therefore, it has been classified as a Variant of Uncertain Significance.

NM_001466.4(FZD2):c.338T>C (p.Ile113Thr)

Gene: FZD2 (frizzled class receptor 2; plus strand). Cytogenetic location: 17q21.31.
Variant type: single nucleotide variant.
Coding change: c.338T>C on transcript NM_001466.4 (MANE Select); coding-DNA position 338, T replaced by C.
Protein change: p.Ile113Thr; replaces isoleucine 113 with threonine.
Molecular consequence: missense variant.
Genome position (GRCh38, 1-based): chr17:44,558,026, T>C. VCF-style: chr17-44558026-T-C. GRCh37 (hg19) VCF-style: chr17-42635394-T-C.
Other names: c.338T>C (NM_001466.3); short protein forms I113T.
Identifiers: ClinVar variation 3709745 (VCV003709745.3).